The following is an entry in ClinVar:

ClinVar aggregate classification (germline): Uncertain significance (1 of 4 stars; one submission).

Submission:

Dasa
Classification: Uncertain significance. Last evaluated: 2026-04-24. Review status: criteria provided, single submitter. Criteria: DASA Assertion Criteria. Collection method: clinical testing. Allele origin: germline.
Comment: NM_000977.4(RPL13):c.247-80G>A is an intronic variant. This variant is rare in population databases. The currently available literature and clinical evidence are not sufficient to establish a definitive association between this variant and the reported condition. Therefore, this variant is classified as a variant of uncertain significance.

NM_000977.4(RPL13):c.247-80G>A

Genes: RPL13 (ribosomal protein L13; plus strand), SNORD68 (small nucleolar RNA, C/D box 68; plus strand). Cytogenetic location: 16q24.3.
Variant type: single nucleotide variant.
Coding change: c.247-80G>A on transcript NM_000977.4 (MANE Select); 80 bases into the intron before coding-DNA position 247, G replaced by A.
Molecular consequence: intron variant. On other transcripts: non-coding transcript variant (1).
Genome position (GRCh38, 1-based): chr16:89,561,498, G>A. VCF-style: chr16-89561498-G-A. GRCh37 (hg19) VCF-style: chr16-89627906-G-A.
Other names: c.247-80G>A (NM_001243131.1, NM_033251.2).
Identifiers: ClinVar variation 4856898 (VCV004856898.2).